The following is an entry in ClinVar:

ClinVar aggregate classification (germline): Conflicting classifications of pathogenicity. Review status: criteria provided, conflicting classifications (1 of 4 stars). 3 submissions from 3 submitters: Uncertain significance (1); Likely benign (2). Last evaluated 2024-11-08.

Conditions:
Inborn genetic diseases. Identifiers: MedGen C0950123, MeSH D030342.

Allele frequency attached by ClinVar (database versions not stated): 1000 Genomes Project 30x 0.00016; ESP Exome Variant Server 0.00192.
gnomAD v4.1: 4,224 of 1,614,022 alleles (0.26%); highest among the groups gnomAD compares: Non-Finnish European, 0.32%; 14 homozygotes.

Submissions (3):

Blueprint Genetics
Classification: Likely benign. Last evaluated: 2024-11-08. Review status: criteria provided, single submitter. Criteria: ACMG Guidelines, 2015. Collection method: clinical testing. Allele origin: germline.

CeGaT Center for Human Genetics Tuebingen
Classification: Likely benign. Last evaluated: 2023-05-01. Review status: criteria provided, single submitter. Criteria: CeGaT Center For Human Genetics Tuebingen Variant Classification Criteria Version 2. Collection method: clinical testing. Allele origin: germline. Affected: yes. Observed: 1 variant allele.
Comment: FLG: BP4, BS2

Ambry Genetics
Classification: Uncertain significance for Inborn genetic diseases. Last evaluated: 2021-06-11. Review status: criteria provided, single submitter. Criteria: Ambry Variant Classification Scheme 2023. Collection method: clinical testing. Allele origin: germline.

NM_002016.2(FLG):c.3073G>A (p.Ala1025Thr)

Genes: CCDST (cervical cancer associated DHX9 suppressive transcript; plus strand), FLG (filaggrin; minus strand). Cytogenetic location: 1q21.3.
Variant type: single nucleotide variant.
Coding change: c.3073G>A on transcript NM_002016.2 (MANE Select); coding-DNA position 3073, G replaced by A.
Protein change: p.Ala1025Thr; replaces alanine 1025 with threonine.
Molecular consequence: missense variant.
Genome position (GRCh38, 1-based): chr1:152,311,813, C>T on the plus strand (G>A on the coding strand, the complement: FLG is on the minus strand). VCF-style: chr1-152311813-C-T. GRCh37 (hg19) VCF-style: chr1-152284289-C-T.
Other names: short protein forms A1025T.
Identifiers: ClinVar variation 2351770 (VCV002351770.27), dbSNP rs145939718, ClinGen allele CA1106844.